The following is an entry in ClinVar:

NM_000448.3(RAG1):c.2814T>G (p.Tyr938Ter)

Gene: RAG1 (recombination activating 1; plus strand). Cytogenetic location: 11p12.
Variant type: single nucleotide variant.
Coding change: c.2814T>G on transcript NM_000448.3 (MANE Select); coding-DNA position 2814, T replaced by G.
Protein change: p.Tyr938Ter; replaces tyrosine 938 with a stop codon.
Molecular consequence: nonsense.
Genome position (GRCh38, 1-based): chr11:36,576,118, T>G. VCF-style: chr11-36576118-T-G. GRCh37 (hg19) VCF-style: chr11-36597668-T-G.
Other names: NM_000448.3(RAG1):c.2814T>G; p.Tyr938Ter; c.2814T>G, p.Tyr938Ter (NM_001377277.1, NM_001377278.1, NM_001377279.1 and 1 more transcripts); short protein forms Y938*.
Identifiers: ClinVar variation 13141 (VCV000013141.3), dbSNP rs104894283, ClinGen allele CA122880.

ClinVar aggregate classification (germline): Likely pathogenic. Review status: reviewed by expert panel (3 of 4 stars). 2 submissions from 2 submitters: Likely pathogenic (1). 1 of the submissions does not count toward it. Last evaluated 2024-03-04.

Conditions:
Severe combined immunodeficiency, B cell-negative. Identifiers: MedGen C1867362.
Recombinase activating gene 1 deficiency. Identifiers: MedGen CN375631, MONDO:0000572.

Submissions (2):

ClinGen Severe Combined Immunodeficiency Variant Curation Expert Panel, ClinGen
Classification: Likely pathogenic for Recombinase activating gene 1 deficiency. Last evaluated: 2024-03-04. Review status: reviewed by expert panel. Criteria: ClinGen SCID ACMG Specifications RAG1 V1.0.0. Collection method: curation. Allele origin: germline. Inheritance: Autosomal recessive inheritance.
Comment: The c.2814T>G (p.Tyr938Ter) (NM_000448.3) variant in RAG1 is a nonsense variant that may cause a premature stop codon that is predicted to escape nonsense-mediated decay. However, it is predicted to truncate part of the core region (between aa 387-1011) critical to the function of the protein (PVS1 Met).The variant is absent in gnomAD v4 (PM2_supporting). In summary, this variant meets the criteria to be classified as a likely pathogenic variant for autosomal recessive severe combined immunodeficiency due to RAG1 deficiency based on the ACMG/AMP criteria applied, as specified by the ClinGen SCID VCEP: PM2_Supporting,PVS1 Met (VCEP specifications version 1).

OMIM
Classification: Pathogenic for SEVERE COMBINED IMMUNODEFICIENCY, B CELL-NEGATIVE. Last evaluated: 1996-10-04. Review status: no assertion criteria provided. Collection method: literature only. Allele origin: germline. Not counted in ClinVar's aggregate classification.

Literature cited by the submitters: PubMed 8810255 (cited by OMIM).